The following is an entry in ClinVar:

NM_004186.5(SEMA3F):c.1402G>A (p.Val468Met)

Gene: SEMA3F (semaphorin 3F; plus strand). Cytogenetic location: 3p21.31.
Variant type: single nucleotide variant.
Coding change: c.1402G>A on transcript NM_004186.5 (MANE Select); coding-DNA position 1402, G replaced by A.
Protein change: p.Val468Met; replaces valine 468 with methionine.
Molecular consequence: missense variant.
Genome position (GRCh38, 1-based): chr3:50,184,760, G>A. VCF-style: chr3-50184760-G-A. GRCh37 (hg19) VCF-style: chr3-50222193-G-A.
Other names: c.1105G>A, p.Val369Met (NM_001318798.2); c.1309G>A, p.Val437Met (NM_001318800.2); short protein forms V369M, V437M, V468M.
Identifiers: ClinVar variation 3350357 (VCV003350357.1).
Genomic context (GRCh38, chr3:50,184,760, plus strand): 5'-CTGCAGCGGCGGCCCCTGGTAGTCCGCACAGGTGCTCCCTACCGCCTTACCACTATTGCC[G>A]TGGACCAGGTGGATGCAGCCGACGGGCGCTATGAGGTGCTTTTCCTGGGCACAGGTACCC-3'
Protein context (NP_004177.3, residues 458-478): GAPYRLTTIA[Val468Met]DQVDAADGRY

ClinVar aggregate classification (germline): Uncertain significance (0 of 4 stars; one submission).

Conditions:
SEMA3F-related disorder. Also called: SEMA3F-related condition.

gnomAD v4.1: 9 of 1,614,000 alleles (0.00056%); highest among the groups gnomAD compares: East Asian, 0.013%; no homozygotes.

Submission:

PreventionGenetics, part of Exact Sciences
Classification: Uncertain significance for SEMA3F-related condition. Last evaluated: 2024-05-31. Review status: no assertion criteria provided. Collection method: clinical testing. Allele origin: germline.
Comment: The SEMA3F c.1402G>A variant is predicted to result in the amino acid substitution p.Val468Met. To our knowledge, this variant has not been reported in the literature. This variant is reported in 0.016% of alleles in individuals of East Asian descent in gnomAD. At this time, the clinical significance of this variant is uncertain due to the absence of conclusive functional and genetic evidence.